The following is an entry in ClinVar:

ClinVar aggregate classification (germline): Uncertain significance (1 of 4 stars; one submission).

Allele frequency attached by ClinVar (database versions not stated): gnomAD exomes 0.00003; TOPMed 0.00005; gnomAD 0.00007; ExAC 0.00016; 1000 Genomes Project 30x 0.00078; 1000 Genomes Project 0.00080.
gnomAD v4.1: 56 of 1,612,248 alleles (0.0035%); highest among the groups gnomAD compares: East Asian, 0.11%; no homozygotes.

Submission:

Labcorp Genetics (formerly Invitae), Labcorp
Classification: Uncertain significance. Last evaluated: 2025-11-03. Review status: criteria provided, single submitter. Criteria: Invitae Variant Classification Sherloc (09022015). Collection method: clinical testing. Allele origin: germline.
Comment: This sequence change replaces valine, which is neutral and non-polar, with alanine, which is neutral and non-polar, at codon 781 of the SLC9A3 protein (p.Val781Ala). The frequency data for this variant in the population databases is considered unreliable, as metrics indicate poor data quality at this position in the gnomAD database. This variant has not been reported in the literature in individuals affected with SLC9A3-related conditions. ClinVar contains an entry for this variant (Variation ID: 2152459). An algorithm developed to predict the effect of missense changes on protein structure and function (PolyPhen-2) suggests that this variant is likely to be disruptive. In summary, the available evidence is currently insufficient to determine the role of this variant in disease. Therefore, it has been classified as a Variant of Uncertain Significance.

NM_004174.4(SLC9A3):c.2342T>C (p.Val781Ala)

Genes: SLC9A3 (solute carrier family 9 member A3), SLC9A3-AS1 (SLC9A3 antisense RNA 1; plus strand). Cytogenetic location: 5p15.33.
Variant type: single nucleotide variant.
Coding change: c.2342T>C on transcript NM_004174.4 (MANE Select); coding-DNA position 2342, T replaced by C.
Protein change: p.Val781Ala; replaces valine 781 with alanine.
Molecular consequence: missense variant.
Genome position (GRCh38, 1-based): chr5:475,042, A>G on the plus strand (T>C on the coding strand, the complement: SLC9A3 is on the minus strand). VCF-style: chr5-475042-A-G. GRCh37 (hg19) VCF-style: chr5-475157-A-G.
Other names: c.2315T>C, p.Val772Ala (NM_001284351.3); short protein forms V781A, V772A.
Identifiers: ClinVar variation 2152459 (VCV002152459.3), dbSNP rs561447879, ClinGen allele CA3175477.
Genomic context (GRCh38, chr5:475,042, plus strand): 5'-AGGCGGCAGAAGGTGCCGGGAGAGTAGGGAATCTGCGTGCGGGCCCTCTGCGAGGGGACC[A>G]CCGTCTCCCCGGGAGACAGCCAGGGCGGCAGCCTGGCCAGGAGGCTGCGGTCCAGGGCCT-3'
Protein context (NP_004165.2, residues 771-791): LPPWLSPGET[Val781Ala]VPSQRARTQI